The following is an entry in ClinVar:

NM_018116.4(MSTO1):c.395G>A (p.Arg132Lys)

Gene: MSTO1 (misato mitochondrial distribution and morphology regulator 1; plus strand). Cytogenetic location: 1q22.
Variant type: single nucleotide variant.
Coding change: c.395G>A on transcript NM_018116.4 (MANE Select); coding-DNA position 395, G replaced by A.
Protein change: p.Arg132Lys; replaces arginine 132 with lysine.
Molecular consequence: missense variant. On other transcripts: 5 prime UTR variant (13), non-coding transcript variant (5).
Genome position (GRCh38, 1-based): chr1:155,611,577, G>A. VCF-style: chr1-155611577-G-A. GRCh37 (hg19) VCF-style: chr1-155581368-G-A.
Other names: p.Arg132Lys; c.395G>A, p.Arg132Lys (NM_001256532.1, NM_001256533.1, NM_001350772.1 and 3 more transcripts); c.230G>A, p.Arg77Lys (NM_001350776.1); c.-162G>A (NM_001350777.1, NM_001350778.1, NM_001350779.1); c.-140G>A (NM_001350780.1, NM_001350781.1, NM_001350782.1 and 3 more transcripts); c.-211G>A (NM_001350784.1, NM_001350785.1, NM_001350787.1 and 1 more transcripts); c.395G>A (NM_018116.3); short protein forms R77K, R132K.
Identifiers: ClinVar variation 3212830 (VCV003212830.2), dbSNP rs1674068522, ClinGen allele CA342757193.
Genomic context (GRCh38, chr1:155,611,577, plus strand): 5'-AACTAAATGTCGATTTTTCTGACCCCTCCCAGGGAGTGCTGAGTAGTGATGGTGTCTGGA[G>A]GGTCAAATCCATTCCCAATGGCAAAGGTGAGACTTCTCCAGATACTGATGGATGGGGGCT-3'
Protein context (NP_060586.2, residues 122-142): EGVLSSDGVW[Arg132Lys]VKSIPNGKGS

ClinVar aggregate classification (germline): Uncertain significance. Review status: criteria provided, multiple submitters, no conflicts (2 of 4 stars). 2 submissions from 2 submitters: Uncertain significance (2). Last evaluated 2023-12-27.

Conditions:
Inborn genetic diseases. Identifiers: MedGen C0950123, MeSH D030342.

Submissions (2):

Mayo Clinic Laboratories, Mayo Clinic
Classification: Uncertain significance. Last evaluated: 2023-12-27. Review status: criteria provided, single submitter. Criteria: ACMG Guidelines, 2015. Collection method: clinical testing. Allele origin: germline. Observed: 1 variant allele.
Comment: BP4, PM2_moderate

Ambry Genetics
Classification: Uncertain significance for Inborn genetic diseases. Last evaluated: 2023-12-15. Review status: criteria provided, single submitter. Criteria: Ambry Variant Classification Scheme 2023. Collection method: clinical testing. Allele origin: germline.